The following is an entry in ClinVar:

ClinVar aggregate classification (germline): Uncertain significance. Review status: criteria provided, multiple submitters, no conflicts (2 of 4 stars). 2 submissions from 2 submitters: Uncertain significance (2). Last evaluated 2025-01-30.

Conditions:
Hereditary cancer-predisposing syndrome. Also called: Neoplastic Syndromes, Hereditary; Tumor predisposition; Hereditary Cancer Syndrome; Hereditary neoplastic syndrome. Identifiers: Orphanet 140162, MedGen C0027672, MeSH D009386, MONDO:0015356.

Allele frequency attached by ClinVar (database versions not stated): gnomAD exomes below 0.00001.

Submissions (2):

Labcorp Genetics (formerly Invitae), Labcorp
Classification: Uncertain significance. Last evaluated: 2025-01-30. Review status: criteria provided, single submitter. Criteria: Invitae Variant Classification Sherloc (09022015). Collection method: clinical testing. Allele origin: germline.
Comment: This sequence change replaces leucine, which is neutral and non-polar, with methionine, which is neutral and non-polar, at codon 228 of the HOXB13 protein (p.Leu228Met). This variant is not present in population databases (gnomAD no frequency). This variant has not been reported in the literature in individuals affected with HOXB13-related conditions. ClinVar contains an entry for this variant (Variation ID: 483509). Invitae Evidence Modeling of protein sequence and biophysical properties (such as structural, functional, and spatial information, amino acid conservation, physicochemical variation, residue mobility, and thermodynamic stability) indicates that this missense variant is expected to disrupt HOXB13 protein function with a positive predictive value of 80%. In summary, the available evidence is currently insufficient to determine the role of this variant in disease. Therefore, it has been classified as a Variant of Uncertain Significance.

Ambry Genetics
Classification: Uncertain significance for Hereditary cancer-predisposing syndrome. Last evaluated: 2024-12-10. Review status: criteria provided, single submitter. Criteria: Ambry Variant Classification Scheme 2023. Collection method: clinical testing. Allele origin: germline.
Comment: The p.L228M variant (also known as c.682T>A), located in coding exon 2 of the HOXB13 gene, results from a T to A substitution at nucleotide position 682. The leucine at codon 228 is replaced by methionine, an amino acid with highly similar properties. This amino acid position is highly conserved in available vertebrate species. In addition, this alteration is predicted to be deleterious by in silico analysis. Since supporting evidence is limited at this time, the clinical significance of this alteration remains unclear.

NM_006361.6(HOXB13):c.682T>A (p.Leu228Met)

Gene: HOXB13 (homeobox B13; minus strand). Cytogenetic location: 17q21.32.
Variant type: single nucleotide variant.
Coding change: c.682T>A on transcript NM_006361.6 (MANE Select); coding-DNA position 682, T replaced by A.
Protein change: p.Leu228Met; replaces leucine 228 with methionine.
Molecular consequence: missense variant.
Genome position (GRCh38, 1-based): chr17:48,726,963, A>T on the plus strand (T>A on the coding strand, the complement: HOXB13 is on the minus strand). VCF-style: chr17-48726963-A-T. GRCh37 (hg19) VCF-style: chr17-46804325-A-T.
Other names: short protein forms L228M.
Identifiers: ClinVar variation 483509 (VCV000483509.14), dbSNP rs1555558471, ClinGen allele CA400106652.
Genomic context (GRCh38, chr17:48,726,963, plus strand): 5'-TGCGCCTCTTGTCCTTGGTGATGAACTTGTTAGCCGCATACTCCCGCTCCAGCTCCCGCA[A>T]CTGCCCCTTGCTGTACGGAATGCGTTTCTTGCGGCCGCGACGAAAGGCGCAGGCGTCAGG-3'
Protein context (NP_006352.2, residues 218-238): KKRIPYSKGQ[Leu228Met]RELEREYAAN